The following is an entry in ClinVar:

NM_000059.4(BRCA2):c.4019A>T (p.Asp1340Val)

Gene: BRCA2 (BRCA2 DNA repair associated; plus strand). Cytogenetic location: 13q13.1.
Variant type: single nucleotide variant.
Coding change: c.4019A>T on transcript NM_000059.4 (MANE Select); coding-DNA position 4019, A replaced by T.
Protein change: p.Asp1340Val; replaces aspartic acid 1340 with valine.
Molecular consequence: missense variant.
Genome position (GRCh38, 1-based): chr13:32,338,374, A>T. VCF-style: chr13-32338374-A-T. GRCh37 (hg19) VCF-style: chr13-32912511-A-T.
Other names: short protein forms D1340V.
Identifiers: ClinVar variation 632717 (VCV000632717.3), dbSNP rs1555283506, ClinGen allele CA387779039.

ClinVar aggregate classification (germline): Conflicting classifications of pathogenicity. Review status: criteria provided, conflicting classifications (1 of 4 stars). 2 submissions from 2 submitters: Uncertain significance (1); Likely benign (1). Last evaluated 2023-03-23.

Conditions:
Hereditary cancer-predisposing syndrome. Also called: Tumor predisposition; Neoplastic Syndromes, Hereditary; Hereditary neoplastic syndrome; Hereditary Cancer Syndrome. Identifiers: Orphanet 140162, MedGen C0027672, MeSH D009386, MONDO:0015356.

Submissions (2):

University of Washington Department of Laboratory Medicine, University of Washington
Classification: Likely benign for Hereditary cancer-predisposing syndrome. Last evaluated: 2023-03-23. Review status: criteria provided, single submitter. Criteria: Dines et al. (Genet Med. 2020). Collection method: curation. Allele origin: germline.
Comment: Missense variant in a coldspot region where missense variants are very unlikely to be pathogenic (PMID:31911673).

BRCA2 exon 11 coldspot. Reclassification based on statistical prior probability.

Women's Health and Genetics/Laboratory Corporation of America, LabCorp
Classification: Uncertain significance. Last evaluated: 2018-10-01. Review status: criteria provided, single submitter. Criteria: LabCorp Variant Classification Summary - May 2015. Collection method: clinical testing. Allele origin: germline.
Comment: Variant summary: BRCA2 c.4019A>T (p.Asp1340Val) results in a non-conservative amino acid change located in the BRCA2 repeat region, between the repeats BRC2 and BRC3 (IPR002093). Four of five in-silico tools predict a benign effect of the variant on protein function. The variant was absent in 229210 control chromosomes (gnomAD). The available data on variant occurrences in the general population are insufficient to allow any conclusion about variant significance. To our knowledge, no occurrence of c.4019A>T in individuals affected with Hereditary Breast and Ovarian Cancer and no experimental evidence demonstrating its impact on protein function have been reported. No clinical diagnostic laboratories have submitted clinical-significance assessments for this variant to ClinVar after 2014. Based on the evidence outlined above, the variant was classified as uncertain significance.